The following is an entry in ClinVar:

ClinVar aggregate classification (germline): Uncertain significance (1 of 4 stars; one submission).

Allele frequency attached by ClinVar (database versions not stated): TOPMed below 0.00001; gnomAD 0.00001.
gnomAD v4.1: 1 of 1,613,970 alleles (0.000062%); highest among the groups gnomAD compares: African/African-American, 0.0013%; no homozygotes.

Submission:

Labcorp Genetics (formerly Invitae), Labcorp
Classification: Uncertain significance. Last evaluated: 2025-08-29. Review status: criteria provided, single submitter. Criteria: Invitae Variant Classification Sherloc (09022015). Collection method: clinical testing. Allele origin: germline.
Comment: This sequence change falls in intron 7 of the SNRNP200 gene. It does not directly change the encoded amino acid sequence of the SNRNP200 protein. It affects a nucleotide within the consensus splice site. This variant is not present in population databases (gnomAD no frequency). This variant has not been reported in the literature in individuals affected with SNRNP200-related conditions. ClinVar contains an entry for this variant (Variation ID: 2087011). Variants that disrupt the consensus splice site are a relatively common cause of aberrant splicing (PMID: 17576681, 9536098). Algorithms developed to predict the effect of sequence changes on RNA splicing suggest that this variant is not likely to affect RNA splicing. In summary, the available evidence is currently insufficient to determine the role of this variant in disease. Therefore, it has been classified as a Variant of Uncertain Significance.

Literature cited by the submitters: PubMed 17576681; PubMed 9536098.

NM_014014.5(SNRNP200):c.882+5G>A

Gene: SNRNP200 (small nuclear ribonucleoprotein U5 subunit 200; minus strand). Cytogenetic location: 2q11.2.
Variant type: single nucleotide variant.
Coding change: c.882+5G>A on transcript NM_014014.5 (MANE Select); 5 bases into the intron after coding-DNA position 882, G replaced by A.
Molecular consequence: intron variant.
Genome position (GRCh38, 1-based): chr2:96,298,810, C>T on the plus strand (G>A on the coding strand, the complement: SNRNP200 is on the minus strand). VCF-style: chr2-96298810-C-T. GRCh37 (hg19) VCF-style: chr2-96964548-C-T.
Identifiers: ClinVar variation 2087011 (VCV002087011.4), dbSNP rs2063935553, ClinGen allele CA1033979932.